The following is an entry in ClinVar:

NM_198578.4(LRRK2):c.6667A>G (p.Thr2223Ala)

Gene: LRRK2 (leucine rich repeat kinase 2; plus strand). Cytogenetic location: 12q12.
Variant type: single nucleotide variant.
Coding change: c.6667A>G on transcript NM_198578.4 (MANE Select); coding-DNA position 6667, A replaced by G.
Protein change: p.Thr2223Ala; replaces threonine 2223 with alanine.
Molecular consequence: missense variant.
Genome position (GRCh38, 1-based): chr12:40,354,389, A>G. VCF-style: chr12-40354389-A-G. GRCh37 (hg19) VCF-style: chr12-40748191-A-G.
Other names: short protein forms T2223A.
Identifiers: ClinVar variation 1754758 (VCV001754758.2), dbSNP rs972191294, ClinGen allele CA235346059.

ClinVar aggregate classification (germline): Uncertain significance (1 of 4 stars; one submission).

Conditions:
Inborn genetic diseases. Identifiers: MedGen C0950123, MeSH D030342.

Allele frequency attached by ClinVar (database versions not stated): gnomAD exomes below 0.00001.
gnomAD v4.1: 3 of 1,613,994 alleles (0.00019%); highest among the groups gnomAD compares: South Asian, 0.0022%; no homozygotes.

Submission:

Ambry Genetics
Classification: Uncertain significance for Inborn genetic diseases. Last evaluated: 2024-01-19. Review status: criteria provided, single submitter. Criteria: Ambry Variant Classification Scheme 2023. Collection method: clinical testing. Allele origin: germline.
Comment: The p.T2223A variant (also known as c.6667A>G), located in coding exon 45 of the LRRK2 gene, results from an A to G substitution at nucleotide position 6667. The threonine at codon 2223 is replaced by alanine, an amino acid with similar properties. This amino acid position is conserved. In addition, this alteration is predicted to be tolerated by in silico analysis. Since supporting evidence is limited at this time, the clinical significance of this alteration remains unclear.